The following is an entry in ClinVar:

NM_001365951.3(KIF1B):c.4633A>G (p.Ile1545Val)

Gene: KIF1B (kinesin family member 1B; plus strand). Cytogenetic location: 1p36.22.
Variant type: single nucleotide variant.
Coding change: c.4633A>G on transcript NM_001365951.3 (MANE Select); coding-DNA position 4633, A replaced by G.
Protein change: p.Ile1545Val; replaces isoleucine 1545 with valine.
Molecular consequence: missense variant.
Genome position (GRCh38, 1-based): chr1:10,365,529, A>G. VCF-style: chr1-10365529-A-G. GRCh37 (hg19) VCF-style: chr1-10425587-A-G.
Other names: p.Ile1499Val; c.4633A>G, p.Ile1545Val (NM_001365952.1); c.4495A>G, p.Ile1499Val (NM_015074.3); short protein forms I1499V, I1545V.
Identifiers: ClinVar variation 571169 (VCV000571169.16), dbSNP rs148387809, ClinGen allele CA582139.

ClinVar aggregate classification (germline): Uncertain significance. Review status: criteria provided, multiple submitters, no conflicts (2 of 4 stars). 3 submissions from 3 submitters: Uncertain significance (3). Last evaluated 2024-01-22.

Conditions:
Charcot-Marie-Tooth disease type 2. Also called: Charcot-Marie-Tooth type 2. Identifiers: Orphanet 64746, MedGen C0270914, MONDO:0018993.

Allele frequency attached by ClinVar (database versions not stated): ESP Exome Variant Server 0.00015; gnomAD 0.00001; gnomAD exomes 0.00001; TOPMed 0.00001; ExAC 0.00001.
gnomAD v4.1: 17 of 1,613,964 alleles (0.0011%); highest among the groups gnomAD compares: East Asian, 0.0022%; no homozygotes.

Submissions (3):

Ambry Genetics
Classification: Uncertain significance. Last evaluated: 2024-01-22. Review status: criteria provided, single submitter. Criteria: Ambry Variant Classification Scheme 2023. Collection method: clinical testing. Allele origin: germline.
Comment: The p.I1499V variant (also known as c.4495A>G), located in coding exon 40 of the KIF1B gene, results from an A to G substitution at nucleotide position 4495. The isoleucine at codon 1499 is replaced by valine, an amino acid with highly similar properties. This amino acid position is well conserved in available vertebrate species. In addition, this alteration is predicted to be tolerated by in silico analysis. Since supporting evidence is limited at this time, the clinical significance of this alteration remains unclear.

Labcorp Genetics (formerly Invitae), Labcorp
Classification: Uncertain significance for Charcot-Marie-Tooth disease type 2. Last evaluated: 2023-05-20. Review status: criteria provided, single submitter. Criteria: Invitae Variant Classification Sherloc (09022015). Collection method: clinical testing. Allele origin: germline.
Comment: In summary, the available evidence is currently insufficient to determine the role of this variant in disease. Therefore, it has been classified as a Variant of Uncertain Significance. An algorithm developed to predict the effect of missense changes on protein structure and function (PolyPhen-2) suggests that this variant is likely to be disruptive. ClinVar contains an entry for this variant (Variation ID: 571169). This variant has not been reported in the literature in individuals affected with KIF1B-related conditions. This variant is present in population databases (rs148387809, gnomAD 0.002%). This sequence change replaces isoleucine, which is neutral and non-polar, with valine, which is neutral and non-polar, at codon 1499 of the KIF1B protein (p.Ile1499Val).

Mayo Clinic Laboratories, Mayo Clinic
Classification: Uncertain significance. Last evaluated: 2021-10-01. Review status: criteria provided, single submitter. Criteria: ACMG Guidelines, 2015. Collection method: clinical testing. Allele origin: germline.